The following is an entry in ClinVar:

ClinVar aggregate classification (germline): Uncertain significance. Review status: criteria provided, multiple submitters, no conflicts (2 of 4 stars). 5 submissions from 5 submitters: Uncertain significance (5). Last evaluated 2026-07-28.

Conditions:
Hereditary cancer-predisposing syndrome. Also called: Neoplastic Syndromes, Hereditary; Hereditary Cancer Syndrome; Tumor predisposition; Hereditary neoplastic syndrome. Identifiers: Orphanet 140162, MedGen C0027672, MeSH D009386, MONDO:0015356.
Classic or attenuated familial adenomatous polyposis. Identifiers: MedGen CN372698, MONDO:0021057.
Familial adenomatous polyposis 1 (FAP1). Also called: FAMILIAL ADENOMATOUS POLYPOSIS 1, ATTENUATED; POLYPOSIS, ADENOMATOUS INTESTINAL. Identifiers: MedGen C2713442, MONDO:0021056, OMIM 175100. Disease mechanism: loss of function.

Allele frequency attached by ClinVar (database versions not stated): gnomAD exomes 0.00001.
gnomAD v4.1: 8 of 1,613,768 alleles (0.0005%); highest among the groups gnomAD compares: Non-Finnish European, 0.00059%; no homozygotes.

Submissions (5):

Ambry Genetics
Classification: Uncertain significance for Hereditary cancer-predisposing syndrome. Last evaluated: 2026-07-28. Review status: criteria provided, single submitter. Criteria: Ambry Variant Classification Scheme 2023. Collection method: clinical testing. Allele origin: germline.

Labcorp Genetics (formerly Invitae), Labcorp
Classification: Uncertain significance for Familial adenomatous polyposis 1. Last evaluated: 2025-11-11. Review status: criteria provided, single submitter. Criteria: Invitae Variant Classification Sherloc (09022015). Collection method: clinical testing. Allele origin: germline.
Comment: This sequence change replaces valine, which is neutral and non-polar, with methionine, which is neutral and non-polar, at codon 312 of the APC protein (p.Val312Met). This variant is not present in population databases (gnomAD no frequency). This variant has not been reported in the literature in individuals affected with APC-related conditions. ClinVar contains an entry for this variant (Variation ID: 411396). An algorithm developed to predict the effect of missense changes on protein structure and function (PolyPhen-2) suggests that this variant is likely to be disruptive. In summary, the available evidence is currently insufficient to determine the role of this variant in disease. Therefore, it has been classified as a Variant of Uncertain Significance.

Color Diagnostics, LLC DBA Color Health
Classification: Uncertain significance for Hereditary cancer-predisposing syndrome. Last evaluated: 2023-09-25. Review status: criteria provided, single submitter. Criteria: ACMG Guidelines, 2015. Collection method: clinical testing. Allele origin: germline.
Comment: This missense variant replaces valine with methionine at codon 312 of the APC protein. Computational prediction is inconclusive regarding the impact of this variant on protein structure and function (internally defined REVEL score threshold 0.5 < inconclusive < 0.7, PMID: 27666373). To our knowledge, functional studies have not been reported for this variant. This variant has not been reported in individuals affected with APC-related disorders in the literature. This variant has not been identified in the general population by the Genome Aggregation Database (gnomAD). The available evidence is insufficient to determine the role of this variant in disease conclusively. Therefore, this variant is classified as a Variant of Uncertain Significance.

Mayo Clinic Laboratories, Mayo Clinic
Classification: Uncertain significance. Last evaluated: 2020-09-11. Review status: criteria provided, single submitter. Criteria: ACMG Guidelines, 2015. Collection method: clinical testing. Allele origin: germline. Observed: 1 variant allele.

Department of Pathology and Laboratory Medicine, Sinai Health System
Classification: Uncertain significance for classic or attenuated familial adenomatous polyposis. Last evaluated: 2020-03-13. Review status: criteria provided, single submitter. Criteria: ACMG Guidelines, 2015. Collection method: clinical testing. Allele origin: germline. Affected: yes.

NM_000038.6(APC):c.934G>A (p.Val312Met)

Gene: APC (APC regulator of Wnt signaling pathway; plus strand). Cytogenetic location: 5q22.2.
Variant type: single nucleotide variant.
Coding change: c.934G>A on transcript NM_000038.6 (MANE Select); coding-DNA position 934, G replaced by A.
Protein change: p.Val312Met; replaces valine 312 with methionine.
Molecular consequence: missense variant. On other transcripts: intron variant (4).
Genome position (GRCh38, 1-based): chr5:112,818,966, G>A. VCF-style: chr5-112818966-G-A. GRCh37 (hg19) VCF-style: chr5-112154663-G-A.
Other names: c.934G>A, p.Val312Met (NM_001127510.3, NM_001354895.2, NM_001354896.2); c.880G>A, p.Val294Met (NM_001127511.3); c.964G>A, p.Val322Met (NM_001354897.2); c.859G>A, p.Val287Met (NM_001354898.2); c.850G>A, p.Val284Met (NM_001354899.2); c.757G>A, p.Val253Met (NM_001354900.2, NM_001354901.2); c.85G>A, p.Val29Met (NM_001354906.2); c.964-303G>A (NM_001354902.2); and 3 more; short protein forms V294M, V312M, V284M, V29M, V322M, V253M, V287M.
Identifiers: ClinVar variation 411396 (VCV000411396.22), dbSNP rs1060503285, ClinGen allele CA16023351.